The following is an entry in ClinVar:

NM_024577.4(SH3TC2):c.3127G>T (p.Ala1043Ser)

Gene: SH3TC2 (SH3 domain and tetratricopeptide repeats 2; minus strand). Cytogenetic location: 5q32.
Variant type: single nucleotide variant.
Coding change: c.3127G>T on transcript NM_024577.4 (MANE Select); coding-DNA position 3127, G replaced by T.
Protein change: p.Ala1043Ser; replaces alanine 1043 with serine.
Molecular consequence: missense variant.
Genome position (GRCh38, 1-based): chr5:149,012,661, C>A on the plus strand (G>T on the coding strand, the complement: SH3TC2 is on the minus strand). VCF-style: chr5-149012661-C-A. GRCh37 (hg19) VCF-style: chr5-148392224-C-A.
Other names: short protein forms A1043S.
Identifiers: ClinVar variation 451327 (VCV000451327.17), dbSNP rs200819602, ClinGen allele CA3498845.

ClinVar aggregate classification (germline): Conflicting classifications of pathogenicity. Review status: criteria provided, conflicting classifications (1 of 4 stars). 5 submissions from 5 submitters: Uncertain significance (4); Likely benign (1). Last evaluated 2025-12-20.

Conditions:
Inborn genetic diseases. Identifiers: MedGen C0950123, MeSH D030342.
Charcot-Marie-Tooth disease. Also called: Charcot-Marie-Tooth Neuropathy; Charcot-Marie-Tooth Hereditary Neuropathy. Identifiers: Orphanet 166, MedGen C0007959, MONDO:0015626.
Charcot-Marie-Tooth disease type 4. Also called: Charcot-Marie-Tooth disease, type IV; Charcot-Marie-Tooth, Type 4. Identifiers: Orphanet 64749, MedGen C4082197, MONDO:0018995.

Allele frequency attached by ClinVar (database versions not stated): ExAC 0.00007; ESP Exome Variant Server 0.00008; gnomAD exomes 0.00008; gnomAD 0.00012; TOPMed 0.00013.
gnomAD v4.1: 251 of 1,614,032 alleles (0.016%); highest among the groups gnomAD compares: Non-Finnish European, 0.019%; no homozygotes.

Submissions (5):

Labcorp Genetics (formerly Invitae), Labcorp
Classification: Likely benign for Charcot-Marie-Tooth disease type 4. Last evaluated: 2025-12-20. Review status: criteria provided, single submitter. Criteria: Invitae Variant Classification Sherloc (09022015). Collection method: clinical testing. Allele origin: germline.

Revvity Omics, Revvity
Classification: Uncertain significance. Last evaluated: 2025-06-11. Review status: criteria provided, single submitter. Criteria: ACMG Guidelines, 2015. Collection method: clinical testing. Allele origin: germline.

Ambry Genetics
Classification: Uncertain significance for Inborn genetic diseases. Last evaluated: 2023-10-12. Review status: criteria provided, single submitter. Criteria: Ambry Variant Classification Scheme 2023. Collection method: clinical testing. Allele origin: germline.

GeneDx
Classification: Uncertain significance. Last evaluated: 2019-12-24. Review status: criteria provided, single submitter. Criteria: GeneDx Variant Classification Process June 2021. Collection method: clinical testing. Allele origin: germline. Affected: yes.
Comment: In silico analysis, which includes protein predictors and evolutionary conservation, supports that this variant does not alter protein structure/function; Has not been previously published as pathogenic or benign to our knowledge; This variant is associated with the following publications: (PMID: 32376792)

Molecular Genetics Laboratory, London Health Sciences Centre
Classification: Uncertain significance for Charcot-Marie-Tooth disease. Review status: criteria provided, single submitter. Criteria: ACMG Guidelines, 2015. Collection method: clinical testing. Allele origin: germline. Affected: yes.